The following is an entry in ClinVar:

NM_001171.6(ABCC6):c.2431A>G (p.Thr811Ala)

Gene: ABCC6 (ATP binding cassette subfamily C member 6; minus strand). Cytogenetic location: 16p13.11.
Variant type: single nucleotide variant.
Coding change: c.2431A>G on transcript NM_001171.6 (MANE Select); coding-DNA position 2431, A replaced by G.
Protein change: p.Thr811Ala; replaces threonine 811 with alanine.
Molecular consequence: missense variant.
Genome position (GRCh38, 1-based): chr16:16,177,611, T>C on the plus strand (A>G on the coding strand, the complement: ABCC6 is on the minus strand). VCF-style: chr16-16177611-T-C. GRCh37 (hg19) VCF-style: chr16-16271468-T-C.
Other names: c.2089A>G, p.Thr697Ala (NM_001351800.1); short protein forms T697A, T811A.
Identifiers: ClinVar variation 1359767 (VCV001359767.6), dbSNP rs2152250247, ClinGen allele CA394887834.

ClinVar aggregate classification (germline): Uncertain significance (1 of 4 stars; one submission).

Submission:

Labcorp Genetics (formerly Invitae), Labcorp
Classification: Uncertain significance. Last evaluated: 2021-11-16. Review status: criteria provided, single submitter. Criteria: Invitae Variant Classification Sherloc (09022015). Collection method: clinical testing. Allele origin: germline.
Comment: This sequence change replaces threonine, which is neutral and polar, with alanine, which is neutral and non-polar, at codon 811 of the ABCC6 protein (p.Thr811Ala). This variant is not present in population databases (gnomAD no frequency). This variant has not been reported in the literature in individuals affected with ABCC6-related conditions. Algorithms developed to predict the effect of missense changes on protein structure and function are either unavailable or do not agree on the potential impact of this missense change (SIFT: "Tolerated"; PolyPhen-2: "Probably Damaging"; Align-GVGD: "Class C0"). This variant disrupts the p.Thr811 amino acid residue in ABCC6. Other variant(s) that disrupt this residue have been determined to be pathogenic (PMID: 16410789, 32873932). This suggests that this residue is clinically significant, and that variants that disrupt this residue are likely to be disease-causing. In summary, the available evidence is currently insufficient to determine the role of this variant in disease. Therefore, it has been classified as a Variant of Uncertain Significance.

Literature cited by the submitters: PubMed 16410789; PubMed 32873932.